The following is an entry in ClinVar:

NM_006949.4(STXBP2):c.1535T>G (p.Val512Gly)

Gene: STXBP2 (syntaxin binding protein 2; plus strand). Cytogenetic location: 19p13.2.
Variant type: single nucleotide variant.
Coding change: c.1535T>G on transcript NM_006949.4 (MANE Select); coding-DNA position 1535, T replaced by G.
Protein change: p.Val512Gly; replaces valine 512 with glycine.
Molecular consequence: missense variant. On other transcripts: non-coding transcript variant (1).
Genome position (GRCh38, 1-based): chr19:7,647,244, T>G. VCF-style: chr19-7647244-T-G. GRCh37 (hg19) VCF-style: chr19-7712130-T-G.
Other names: c.1526T>G, p.Val509Gly (NM_001127396.3); c.1568T>G, p.Val523Gly (NM_001272034.2); short protein forms V523G, V512G, V509G.
Identifiers: ClinVar variation 1492085 (VCV001492085.3), dbSNP rs1241981409, ClinGen allele CA403161894.

ClinVar aggregate classification (germline): Uncertain significance (1 of 4 stars; one submission).

Conditions:
Familial hemophagocytic lymphohistiocytosis 5. Also called: STXBP2-Related Familial Hemophagocytic Lymphohistiocytosis (STXBP2-fHLH). Identifiers: Orphanet 540, MedGen C2751293, MONDO:0013135, OMIM 613101.

Allele frequency attached by ClinVar (database versions not stated): gnomAD 0.00001; gnomAD exomes 0.00002; TOPMed 0.00002.
gnomAD v4.1: 13 of 1,611,072 alleles (0.00081%); highest among the groups gnomAD compares: Non-Finnish European, 0.0011%; no homozygotes.

Submission:

Labcorp Genetics (formerly Invitae), Labcorp
Classification: Uncertain significance for Familial hemophagocytic lymphohistiocytosis 5. Last evaluated: 2022-03-18. Review status: criteria provided, single submitter. Criteria: Invitae Variant Classification Sherloc (09022015). Collection method: clinical testing. Allele origin: germline.
Comment: This sequence change replaces valine, which is neutral and non-polar, with glycine, which is neutral and non-polar, at codon 512 of the STXBP2 protein (p.Val512Gly). This variant is present in population databases (no rsID available, gnomAD 0.004%). This variant has not been reported in the literature in individuals affected with STXBP2-related conditions. Algorithms developed to predict the effect of missense changes on protein structure and function are either unavailable or do not agree on the potential impact of this missense change (SIFT: "Deleterious"; PolyPhen-2: "Probably Damaging"; Align-GVGD: "Class C0"). In summary, the available evidence is currently insufficient to determine the role of this variant in disease. Therefore, it has been classified as a Variant of Uncertain Significance.